The following is an entry in ClinVar:

NM_001267550.2(TTN):c.10219del (p.Tyr3407fs)

Gene: TTN (titin; minus strand). Cytogenetic location: 2q31.2.
Variant type: Deletion.
Coding change: c.10219del on transcript NM_001267550.2 (MANE Select); coding-DNA position 10219, one base deleted (T; older notation c.10219delT).
Protein change: p.Tyr3407fs; shifts the reading frame from tyrosine 3407.
Molecular consequence: frameshift variant.
Genome position (GRCh38, 1-based): chr2:178,759,068, A deleted on the plus strand (T on the coding strand, the reverse complement: TTN is on the minus strand); the first of 2 consecutive A bases (chr2:178,759,068-178,759,069); deleting either gives the same sequence. VCF-style (leftmost placement, unchanged base first): chr2-178759067-TA-T. GRCh37 (hg19) VCF-style: chr2-179623794-TA-T.
Other names: c.10219del, p.Tyr3407fs (NM_001256850.1, NM_133378.4, NM_133379.5); c.10081del, p.Tyr3361fs (NM_003319.4, NM_133432.3, NM_133437.4); c.10081delT (NM_003319.4); short protein forms Y3361fs, Y3407fs.
Identifiers: ClinVar variation 1789027 (VCV001789027.2), dbSNP rs2531935860, ClinGen allele CA2580065177.

ClinVar aggregate classification (germline): Likely pathogenic (1 of 4 stars; one submission).

Conditions:
Cardiovascular phenotype. Identifiers: MedGen CN230736.

Submission:

Ambry Genetics
Classification: Likely pathogenic for Cardiovascular phenotype. Last evaluated: 2022-04-27. Review status: criteria provided, single submitter. Criteria: Ambry Variant Classification Scheme 2023. Collection method: clinical testing. Allele origin: germline.
Comment: The c.10081delT variant, located in coding exon 42 of the TTN gene, results from a deletion of one nucleotide at nucleotide position 10081, causing a translational frameshift with a predicted alternate stop codon (p.Y3361Ifs*16). This variant is considered to be rare based on population cohorts in the Genome Aggregation Database (gnomAD). This exon is located in the I-band region of the N2-B isoform of the titin protein and is constitutively expressed in TTN transcripts (percent spliced in or PSI 100%). This alteration is expected to result in loss of function by premature protein truncation or nonsense-mediated mRNA decay. While truncating variants in TTN are present in 1-3% of the general population, truncating variants in the A-band are the most common cause of dilated cardiomyopathy (DCM) (Herman DS et al. N. Engl. J. Med., 2012 Feb;366:619-28; Roberts AM et al. Sci Transl Med, 2015 Jan;7:270ra6). TTN truncating variants encoded in constitutive exons (PSI >90%) have been found to be significantly associated with DCM regardless of their position in titin (Schafer S et al. Nat. Genet., 2017 01;49:46-53). As such, this alteration is classified as likely pathogenic.